The following is an entry in ClinVar:

NM_000368.5(TSC1):c.1160del (p.Pro387fs)

Gene: TSC1 (TSC complex subunit 1; minus strand). Cytogenetic location: 9q34.13.
Variant type: Deletion.
Coding change: c.1160del on transcript NM_000368.5 (MANE Select); coding-DNA position 1160, one base deleted (C; older notation c.1160delC).
Protein change: p.Pro387fs; shifts the reading frame from proline 387.
Molecular consequence: frameshift variant. On other transcripts: non-coding transcript variant (5).
Genome position (GRCh38, 1-based): chr9:132,910,674, G deleted on the plus strand (C on the coding strand, the reverse complement: TSC1 is on the minus strand); the first of 2 consecutive G bases (chr9:132,910,674-132,910,675); deleting either gives the same sequence. VCF-style (leftmost placement, unchanged base first): chr9-132910673-AG-A. GRCh37 (hg19) VCF-style: chr9-135786060-AG-A.
Other names: c.1157del, p.Pro386fs (NM_001162426.2, NM_001406597.1, NM_001406598.1 and 6 more transcripts); c.1007del, p.Pro336fs (NM_001162427.2, NM_001406610.1); c.797del, p.Pro266fs (NM_001362177.2, NM_001406614.1, NM_001406615.1 and 5 more transcripts); c.1160del, p.Pro387fs (NM_001406592.1, NM_001406593.1, NM_001406594.1 and 7 more transcripts); c.1004del, p.Pro335fs (NM_001406611.1, NM_001406612.1, NM_001406613.1); c.794del, p.Pro265fs (NM_001406620.1, NM_001406621.1, NM_001406622.1 and 2 more transcripts); c.209del, p.Pro70fs (NM_001406626.1); c.206del, p.Pro69fs (NM_001406627.1, NM_001406628.1); and 1 more; short protein forms P265fs, P266fs, P335fs, P336fs, P36fs, P386fs, P387fs, P69fs.
Identifiers: ClinVar variation 3904737 (VCV003904737.1).

ClinVar aggregate classification (germline): Pathogenic (1 of 4 stars; one submission).

Conditions:
Tuberous sclerosis 1 (TSC1). Identifiers: Orphanet 805, MedGen C1854465, MONDO:0008612, OMIM 191100.

Submission:

Myriad Genetics, Inc.
Classification: Pathogenic for Tuberous sclerosis 1. Last evaluated: 2025-03-07. Review status: criteria provided, single submitter. Criteria: Myriad Autosomal Dominant, Autosomal Recessive and X-Linked Classification Criteria (2023). Collection method: clinical testing. Allele origin: unknown.
Comment: This variant is considered pathogenic. This variant creates a frameshift predicted to result in premature protein truncation.